The following is an entry in ClinVar:

ClinVar aggregate classification (germline): Likely pathogenic (1 of 4 stars; one submission).

Conditions:
Uncombable hair syndrome 3 (UHS3). Identifiers: MedGen C4310648, MONDO:0014990, OMIM 617252.

Submission:

Women's Health and Genetics/Laboratory Corporation of America, LabCorp
Classification: Likely pathogenic for Uncombable hair syndrome 3. Last evaluated: 2023-04-06. Review status: criteria provided, single submitter. Criteria: LabCorp Variant Classification Summary - May 2015. Collection method: clinical testing. Allele origin: germline.
Comment: Variant summary: TCHH c.699delG (p.Gln234LysfsX53) results in a premature termination codon located in the last exon, therefore it is not expected to cause nonsense mediated decay (NMD), but is predicted to cause a truncation of the encoded protein, removing a large part of the 1943 amino acid long protein. A truncation downstream of this position has been reported in homozygous form in an individual affected with Uncombable Hair Syndrome (PMID 27866708). The variant allele was found at a frequency of 5.7e-05 in 247548 control chromosomes (gnomAD). Although several truncating variants downstream from our position are reported in homozygous form in gnomAD, these variants are all seem to be located to a repeat length polymorphic region (see PMID 34554798 for further details), therefore they likely represent annotation artefacts. To our knowledge, no occurrence of c.699delG in individuals affected with Uncombable Hair Syndrome 3 and no experimental evidence demonstrating its impact on protein function have been reported. No clinical diagnostic laboratories have submitted clinical-significance assessments for this variant to ClinVar after 2014. Based on the evidence outlined above, the variant was classified as likely pathogenic.

NM_007113.4(TCHH):c.699del (p.Gln234fs)

Gene: TCHH (trichohyalin; minus strand). Cytogenetic location: 1q21.3.
Variant type: Deletion.
Coding change: c.699del on transcript NM_007113.4 (MANE Select); coding-DNA position 699, one base deleted (G; older notation c.699delG).
Protein change: p.Gln234fs; shifts the reading frame from glutamine 234.
Molecular consequence: frameshift variant.
Genome position (GRCh38, 1-based): chr1:152,112,518, C deleted on the plus strand (G on the coding strand, the reverse complement: TCHH is on the minus strand); the first of 2 consecutive C bases (chr1:152,112,518-152,112,519); deleting either gives the same sequence. VCF-style (leftmost placement, unchanged base first): chr1-152112517-GC-G. GRCh37 (hg19) VCF-style: chr1-152084993-GC-G.
Other names: c.699delG (NM_007113.3); short protein forms Q234fs.
Identifiers: ClinVar variation 2504039 (VCV002504039.1), dbSNP rs770198909, ClinGen allele CA1099122.